The following is an entry in ClinVar:

ClinVar aggregate classification (germline): Uncertain significance (1 of 4 stars; one submission).

Submission:

Labcorp Genetics (formerly Invitae), Labcorp
Classification: Uncertain significance. Last evaluated: 2023-11-27. Review status: criteria provided, single submitter. Criteria: Invitae Variant Classification Sherloc (09022015). Collection method: clinical testing. Allele origin: germline.
Comment: This sequence change replaces methionine, which is neutral and non-polar, with threonine, which is neutral and polar, at codon 1178 of the PTPRO protein (p.Met1178Thr). This variant is not present in population databases (gnomAD no frequency). This variant has not been reported in the literature in individuals affected with PTPRO-related conditions. ClinVar contains an entry for this variant (Variation ID: 2069913). An algorithm developed to predict the effect of missense changes on protein structure and function (PolyPhen-2) suggests that this variant is likely to be disruptive. In summary, the available evidence is currently insufficient to determine the role of this variant in disease. Therefore, it has been classified as a Variant of Uncertain Significance.

NM_030667.3(PTPRO):c.3533T>C (p.Met1178Thr)

Gene: PTPRO (protein tyrosine phosphatase receptor type O; plus strand). Cytogenetic location: 12p12.3.
Variant type: single nucleotide variant.
Coding change: c.3533T>C on transcript NM_030667.3 (MANE Select); coding-DNA position 3533, T replaced by C.
Protein change: p.Met1178Thr; replaces methionine 1178 with threonine.
Molecular consequence: missense variant.
Genome position (GRCh38, 1-based): chr12:15,589,577, T>C. VCF-style: chr12-15589577-T-C. GRCh37 (hg19) VCF-style: chr12-15742511-T-C.
Other names: c.3449T>C, p.Met1150Thr (NM_002848.4); c.1016T>C, p.Met339Thr (NM_030668.3, NM_030670.3); c.1100T>C, p.Met367Thr (NM_030669.3, NM_030671.3); short protein forms M1150T, M1178T, M339T, M367T.
Identifiers: ClinVar variation 2069913 (VCV002069913.4), dbSNP rs2540156874, ClinGen allele CA384030309.
Genomic context (GRCh38, chr12:15,589,577, plus strand): 5'-ATCATGAGTTTGTTGACATCTTAGGGCTGGTGTCAGAAATGAGGTCATACCGGATGTCTA[T>C]GGTACAGACAGAGGTAGGAACATAATCTATATGTATTTTTAAATTTTCCCTGGACTGAAA-3'
Protein context (NP_109592.1, residues 1168-1188): VSEMRSYRMS[Met1178Thr]VQTEEQYIFI